The following is an entry in ClinVar:

ClinVar aggregate classification (germline): Uncertain significance (1 of 4 stars; one submission).

Submission:

Labcorp Genetics (formerly Invitae), Labcorp
Classification: Uncertain significance. Last evaluated: 2022-11-23. Review status: criteria provided, single submitter. Criteria: Invitae Variant Classification Sherloc (09022015). Collection method: clinical testing. Allele origin: germline.
Comment: This sequence change creates a premature translational stop signal (p.Trp46*) in the HAND2 gene. It is expected to result in an absent or disrupted protein product. However, the current clinical and genetic evidence is not sufficient to establish whether loss-of-function variants in HAND2 cause disease. This variant is not present in population databases (gnomAD no frequency). This variant has not been reported in the literature in individuals affected with HAND2-related conditions. In summary, the available evidence is currently insufficient to determine the role of this variant in disease. Therefore, it has been classified as a Variant of Uncertain Significance.

NM_021973.3(HAND2):c.138G>A (p.Trp46Ter)

Genes: HAND2-AS1 (HAND2 antisense RNA 1; plus strand), HAND2 (heart and neural crest derivatives expressed 2; minus strand). Cytogenetic location: 4q34.1.
Variant type: single nucleotide variant.
Coding change: c.138G>A on transcript NM_021973.3 (MANE Select); coding-DNA position 138, G replaced by A.
Protein change: p.Trp46Ter; replaces tryptophan 46 with a stop codon.
Molecular consequence: nonsense.
Genome position (GRCh38, 1-based): chr4:173,529,152, C>T on the plus strand (G>A on the coding strand, the complement: HAND2 is on the minus strand). VCF-style: chr4-173529152-C-T. GRCh37 (hg19) VCF-style: chr4-174450303-C-T.
Other names: short protein forms W46*.
Identifiers: ClinVar variation 2815840 (VCV002815840.3), dbSNP rs2477197233, ClinGen allele CA358759411.